The following is an entry in ClinVar:

ClinVar aggregate classification (germline): Uncertain significance (1 of 4 stars; one submission).

Conditions:
Long QT syndrome (LQTS). Identifiers: MedGen C0023976, MeSH D008133, MONDO:0002442. Disease mechanism: loss of function. Inheritance: Various modes of inheritance.

Submission:

Labcorp Genetics (formerly Invitae), Labcorp
Classification: Uncertain significance for Long QT syndrome. Last evaluated: 2017-11-25. Review status: criteria provided, single submitter. Criteria: Invitae Variant Classification Sherloc (09022015). Collection method: clinical testing. Allele origin: germline.
Comment: In summary, the available evidence is currently insufficient to determine the role of this variant in disease. Therefore, it has been classified as a Variant of Uncertain Significance. Algorithms developed to predict the effect of missense changes on protein structure and function do not agree on the potential impact of this missense change (SIFT: "Deleterious"; PolyPhen-2: "Probably Damaging"; Align-GVGD: "Class C0"). This variant has not been reported in the literature in individuals with CAV3-related disease. This variant is not present in population databases (ExAC no frequency). This sequence change replaces alanine with aspartic acid at codon 85 of the CAV3 protein (p.Ala85Asp). The alanine residue is highly conserved and there is a moderate physicochemical difference between alanine and aspartic acid.

NM_033337.3(CAV3):c.254C>A (p.Ala85Asp)

Genes: CAV3 (caveolin 3; plus strand), OXTR (oxytocin receptor; minus strand). Cytogenetic location: 3p25.3.
Variant type: single nucleotide variant.
Coding change: c.254C>A on transcript NM_033337.3 (MANE Select); coding-DNA position 254, C replaced by A.
Protein change: p.Ala85Asp; replaces alanine 85 with aspartic acid.
Molecular consequence: missense variant.
Genome position (GRCh38, 1-based): chr3:8,745,665, C>A. VCF-style: chr3-8745665-C-A. GRCh37 (hg19) VCF-style: chr3-8787351-C-A.
Other names: c.254C>A, p.Ala85Asp (NM_001234.5); short protein forms A85D.
Identifiers: ClinVar variation 526984 (VCV000526984.5), dbSNP rs1553614440, ClinGen allele CA351663379.
Genomic context (GRCh38, chr3:8,745,665, plus strand): 5'-TCACTGTCTCCAAGTACTGGTGCTACCGTCTGTTGTCCACGCTGCTGGGCGTCCCACTGG[C>A]CCTGCTCTGGGGCTTCCTGTTCGCCTGCATCTCCTTCTGCCACATCTGGGCGGTGGTGCC-3'
Protein context (NP_203123.1, residues 75-95): LLSTLLGVPL[Ala85Asp]LLWGFLFACI